The following is an entry in ClinVar:

ClinVar aggregate classification (germline): Uncertain significance (1 of 4 stars; one submission).

Conditions:
Hypertrophic cardiomyopathy. Also called: HYPERTROPHIC MYOCARDIOPATHY. Identifiers: Orphanet 217569, MedGen C0007194, MeSH D002312, MONDO:0005045, HP:0001639.

Allele frequency attached by ClinVar (database versions not stated): TOPMed 0.00001; ExAC 0.00002.
gnomAD v4.1: 8 of 1,603,958 alleles (0.0005%); highest among the groups gnomAD compares: Admixed American, 0.014%; no homozygotes.

Submission:

Labcorp Genetics (formerly Invitae), Labcorp
Classification: Uncertain significance for Hypertrophic cardiomyopathy. Last evaluated: 2025-02-07. Review status: criteria provided, single submitter. Criteria: Invitae Variant Classification Sherloc (09022015). Collection method: clinical testing. Allele origin: germline.
Comment: This sequence change replaces isoleucine, which is neutral and non-polar, with valine, which is neutral and non-polar, at codon 1584 of the MYOM1 protein (p.Ile1584Val). This variant is present in population databases (rs750662926, gnomAD 0.02%). This variant has not been reported in the literature in individuals affected with MYOM1-related conditions. ClinVar contains an entry for this variant (Variation ID: 2186407). Invitae Evidence Modeling of protein sequence and biophysical properties (such as structural, functional, and spatial information, amino acid conservation, physicochemical variation, residue mobility, and thermodynamic stability) indicates that this missense variant is not expected to disrupt MYOM1 protein function with a negative predictive value of 80%. In summary, the available evidence is currently insufficient to determine the role of this variant in disease. Therefore, it has been classified as a Variant of Uncertain Significance.

NM_003803.4(MYOM1):c.4750A>G (p.Ile1584Val)

Gene: MYOM1 (myomesin 1; minus strand). Cytogenetic location: 18p11.31.
Variant type: single nucleotide variant.
Coding change: c.4750A>G on transcript NM_003803.4 (MANE Select); coding-DNA position 4750, A replaced by G.
Protein change: p.Ile1584Val; replaces isoleucine 1584 with valine.
Molecular consequence: missense variant.
Genome position (GRCh38, 1-based): chr18:3,071,848, T>C on the plus strand (A>G on the coding strand, the complement: MYOM1 is on the minus strand). VCF-style: chr18-3071848-T-C. GRCh37 (hg19) VCF-style: chr18-3071846-T-C.
Other names: c.4462A>G, p.Ile1488Val (NM_019856.2); short protein forms I1584V, I1488V.
Identifiers: ClinVar variation 2186407 (VCV002186407.4), dbSNP rs750662926, ClinGen allele CA8873785.
Genomic context (GRCh38, chr18:3,071,848, plus strand): 5'-TGTTCATAGTGCAGAAGGAGCAGGCACAGGCAGGCTTCATGCTTACCTTCCCCTCCTGGA[T>C]GGTGACCACGTCTGGGAGACCTCCCAACACCCGGGCACGATCTGCAAGCATAGGCATTTT-3'
Protein context (NP_003794.3, residues 1574-1594): VLGGLPDVVT[Ile1584Val]QEGKALNLTC